The following is an entry in ClinVar:

NM_001370466.1(NOD2):c.2181G>A (p.Leu727=)

Gene: NOD2 (nucleotide binding oligomerization domain containing 2; plus strand). Cytogenetic location: 16q12.1.
Variant type: single nucleotide variant.
Coding change: c.2181G>A on transcript NM_001370466.1 (MANE Select); coding-DNA position 2181, G replaced by A.
Protein change: p.Leu727=; no amino-acid change (leucine 727 retained).
Molecular consequence: synonymous variant. On other transcripts: non-coding transcript variant (1).
Genome position (GRCh38, 1-based): chr16:50,712,173, G>A. VCF-style: chr16-50712173-G-A. GRCh37 (hg19) VCF-style: chr16-50746084-G-A.
Other names: c.2262G>A (LRG_177t1); c.2181G>A, p.Leu727= (NM_001293557.2); c.2262G>A, p.Leu754= (NM_022162.3).
Identifiers: ClinVar variation 103119 (VCV000103119.5), dbSNP rs199475915, ClinGen allele CA230146.

ClinVar aggregate classification (germline): Likely benign. Review status: criteria provided, single submitter (1 of 4 stars). 2 submissions from 2 submitters: Likely benign (1). 1 of the submissions does not count toward it. Last evaluated 2023-09-08.

Conditions:
Regional enteritis. Also called: Enteritis, Granulomatous. Identifiers: MedGen C0678202, MeSH D003424.
Blau syndrome (BLAUS). Also called: ARTHROCUTANEOUVEAL GRANULOMATOSIS; GRANULOMATOSIS, FAMILIAL JUVENILE SYSTEMIC; GRANULOMATOSIS, FAMILIAL, BLAU TYPE; GRANULOMATOUS INFLAMMATORY ARTHRITIS, DERMATITIS, AND UVEITIS, FAMILIAL; JABS SYNDROME. Identifiers: Orphanet 90340, MedGen C5201146, MONDO:0008523, OMIM 186580.

Allele frequency attached by ClinVar (database versions not stated): gnomAD exomes below 0.00001; ExAC 0.00001; gnomAD 0.00001; TOPMed 0.00002.
gnomAD v4.1: 4 of 1,613,994 alleles (0.00025%); highest among the groups gnomAD compares: East Asian, 0.0067%; no homozygotes.

Submissions (2):

Labcorp Genetics (formerly Invitae), Labcorp
Classification: Likely benign for Regional enteritis; Blau syndrome. Last evaluated: 2023-09-08. Review status: criteria provided, single submitter. Criteria: Invitae Variant Classification Sherloc (09022015). Collection method: clinical testing. Allele origin: germline.

Human Evolutionary Genetics, Institut Pasteur
No classification provided. Review status: no classification provided. Collection method: not provided. Allele origin: germline. Not counted in ClinVar's aggregate classification.
ClinVar note: Converted during submission from untested to not provided.